The following is an entry in ClinVar:

NM_000153.4(GALC):c.884A>T (p.Asn295Ile)

Gene: GALC (galactosylceramidase; minus strand). Cytogenetic location: 14q31.3.
Variant type: single nucleotide variant.
Coding change: c.884A>T on transcript NM_000153.4 (MANE Select); coding-DNA position 884, A replaced by T.
Protein change: p.Asn295Ile; replaces asparagine 295 with isoleucine.
Molecular consequence: missense variant.
Genome position (GRCh38, 1-based): chr14:87,968,359, T>A on the plus strand (A>T on the coding strand, the complement: GALC is on the minus strand). VCF-style: chr14-87968359-T-A. GRCh37 (hg19) VCF-style: chr14-88434703-T-A.
Other names: c.815A>T, p.Asn272Ile (NM_001201401.2); c.806A>T, p.Asn269Ile (NM_001201402.2); c.884A>T (NM_000153.3); short protein forms N272I, N295I, N269I.
Identifiers: ClinVar variation 803042 (VCV000803042.14), dbSNP rs746922378, ClinGen allele CA264703903.
Genomic context (GRCh38, chr14:87,968,359, plus strand): 5'-TTTGATAAGAACTCTAAAAGGTTTTTAATAACTTACGAAGTCATATAGCCATTGATATAA[T>A]TCTGATTTAAAATGCGACCCCAGCAGCCTGCACCCATGTCACTATTTAAAGTGCTAAAGT-3'
Protein context (NP_000144.2, residues 285-305): AGCWGRILNQ[Asn295Ile]YINGYMTSTI

ClinVar aggregate classification (germline): Pathogenic/Likely pathogenic. Review status: criteria provided, multiple submitters, no conflicts (2 of 4 stars). 6 submissions from 6 submitters: Pathogenic (1); Likely pathogenic (5). Last evaluated 2025-09-02.

Conditions:
Galactosylceramide beta-galactosidase deficiency. Also called: GLOBOID CELL LEUKOENCEPHALOPATHY; Krabbe Disease; Leukodystrophy, Globoid Cell; GALACTOCEREBROSIDASE DEFICIENCY; GALC DEFICIENCY. Identifiers: Orphanet 487, MedGen C0023521, MONDO:0009499, OMIM 245200.

Allele frequency attached by ClinVar (database versions not stated): TOPMed below 0.00001.
gnomAD v4.1: 5 of 1,613,552 alleles (0.00031%); highest among the groups gnomAD compares: Admixed American, 0.0017%; no homozygotes.

Submissions (6):

Labcorp Genetics (formerly Invitae), Labcorp
Classification: Pathogenic for Galactosylceramide beta-galactosidase deficiency. Last evaluated: 2025-09-02. Review status: criteria provided, single submitter. Criteria: Invitae Variant Classification Sherloc (09022015). Collection method: clinical testing. Allele origin: germline.
Comment: This sequence change replaces asparagine, which is neutral and polar, with isoleucine, which is neutral and non-polar, at codon 295 of the GALC protein (p.Asn295Ile). This variant is not present in population databases (gnomAD no frequency). This missense change has been observed in individual(s) with Krabbe disease (PMID: 30777126; internal data). In at least one individual the data is consistent with being in trans (on the opposite chromosome) from a pathogenic variant. ClinVar contains an entry for this variant (Variation ID: 803042). Invitae Evidence Modeling of protein sequence and biophysical properties (such as structural, functional, and spatial information, amino acid conservation, physicochemical variation, residue mobility, and thermodynamic stability) indicates that this missense variant is expected to disrupt GALC protein function with a positive predictive value of 95%. Experimental studies have shown that this missense change affects GALC function (PMID: 27638593). For these reasons, this variant has been classified as Pathogenic.

Natera, Inc.
Classification: Likely pathogenic for Galactosylceramide beta-galactosidase deficiency. Last evaluated: 2024-07-31. Review status: criteria provided, single submitter. Criteria: Natera Variant Classification Schema (03/2026). Collection method: clinical testing. Allele origin: germline.
Comment: The c.884A>T variant in GALC is a missense variant predicted to cause substitution of asparagine to isoleucine at amino acid 295. This variant is rare in the general population with a frequency below the threshold expected for the associated phenotype(s). This variant has been observed in one or more individuals affected with the associated recessive disease, as either homozygous or compound heterozygous with a second variant (PMID: 30777126). A different variant at the same position has been determined to be Pathogenic or Likely Pathogenic. Computational prediction algorithms indicate this variant is likely to affect gene or protein function. Given the available evidence, this variant is classified as Likely Pathogenic.

Fulgent Genetics
Classification: Likely pathogenic for Galactosylceramide beta-galactosidase deficiency. Last evaluated: 2024-04-10. Review status: criteria provided, single submitter. Criteria: ACMG Guidelines, 2015. Collection method: clinical testing. Allele origin: germline.

Women's Health and Genetics/Laboratory Corporation of America, LabCorp
Classification: Likely pathogenic for Galactosylceramide beta-galactosidase deficiency. Last evaluated: 2022-05-26. Review status: criteria provided, single submitter. Criteria: LabCorp Variant Classification Summary - May 2015. Collection method: clinical testing. Allele origin: germline.
Comment: Variant summary: GALC c.884A>T (p.Asn295Ile) results in a non-conservative amino acid change in the encoded protein sequence. Five of five in-silico tools predict a damaging effect of the variant on protein function. The variant was absent in 248878 control chromosomes (gnomAD). The variant, c.884A>T, has been reported in the literature in at least one homozygous individuals affected with 'infantile' (or 'classic') Krabbe Disease (Beltran-Quintero_2019). These data indicate that the variant may be associated with disease. At least one publication reported experimental evidence evaluating an impact on protein function, and demonstrated almost complete loss of activity for the variant protein (Saavedra-Matiz_2016). Three clinical diagnostic laboratories have submitted clinical-significance assessments for this variant to ClinVar after 2014 without evidence for independent evaluation. All laboratories classified the variant as pathogenic (n=1) / likely pathogenic (n=2). Based on the evidence outlined above, the variant was classified as likely pathogenic.

Laboratorio de Genetica e Diagnostico Molecular, Hospital Israelita Albert Einstein
Classification: Likely pathogenic for Galactosylceramide beta-galactosidase deficiency. Last evaluated: 2021-03-16. Review status: criteria provided, single submitter. Criteria: ACMG Guidelines, 2015. Collection method: clinical testing. Allele origin: germline. Affected: yes.
Comment: ACMG classification criteria: PS4 supporting, PM2 moderate, PP1, PP3 supporting

Mendelics
Classification: Likely pathogenic for Galactosylceramide beta-galactosidase deficiency. Last evaluated: 2019-05-28. Review status: criteria provided, single submitter. Criteria: Mendelics Assertion Criteria 2017. Collection method: clinical testing. Allele origin: unknown.

Literature cited by the submitters: PubMed 30777126 (cited by 3 submitters); PubMed 27638593 (cited by Labcorp Genetics (formerly Invitae), Labcorp and Women's Health and Genetics/Laboratory Corporation of America, LabCorp); PubMed 25260228 (cited by Women's Health and Genetics/Laboratory Corporation of America, LabCorp); PubMed 26795590 (cited by Women's Health and Genetics/Laboratory Corporation of America, LabCorp); PubMed 10833326 (cited by Women's Health and Genetics/Laboratory Corporation of America, LabCorp).